The following is an entry in ClinVar:

NM_001100913.3(PACS2):c.2297A>G (p.Tyr766Cys)

Gene: PACS2 (phosphofurin acidic cluster sorting protein 2; plus strand). Cytogenetic location: 14q32.33.
Variant type: single nucleotide variant.
Coding change: c.2297A>G on transcript NM_001100913.3 (MANE Select); coding-DNA position 2297, A replaced by G.
Protein change: p.Tyr766Cys; replaces tyrosine 766 with cysteine.
Molecular consequence: missense variant.
Genome position (GRCh38, 1-based): chr14:105,392,660, A>G. VCF-style: chr14-105392660-A-G. GRCh37 (hg19) VCF-style: chr14-105858997-A-G.
Other names: c.2027A>G, p.Tyr676Cys (NM_001243127.3); c.2252A>G, p.Tyr751Cys (NM_015197.4); short protein forms Y766C, Y676C, Y751C.
Identifiers: ClinVar variation 1386698 (VCV001386698.6), dbSNP rs2081399060, ClinGen allele CA391186592.

ClinVar aggregate classification (germline): Uncertain significance (1 of 4 stars; one submission).

Submission:

Labcorp Genetics (formerly Invitae), Labcorp
Classification: Uncertain significance. Last evaluated: 2023-10-13. Review status: criteria provided, single submitter. Criteria: Invitae Variant Classification Sherloc (09022015). Collection method: clinical testing. Allele origin: germline.
Comment: This sequence change replaces tyrosine, which is neutral and polar, with cysteine, which is neutral and slightly polar, at codon 766 of the PACS2 protein (p.Tyr766Cys). This variant is not present in population databases (gnomAD no frequency). This variant has not been reported in the literature in individuals affected with PACS2-related conditions. ClinVar contains an entry for this variant (Variation ID: 1386698). Advanced modeling of protein sequence and biophysical properties (such as structural, functional, and spatial information, amino acid conservation, physicochemical variation, residue mobility, and thermodynamic stability) performed at Invitae indicates that this missense variant is expected to disrupt PACS2 protein function. In summary, the available evidence is currently insufficient to determine the role of this variant in disease. Therefore, it has been classified as a Variant of Uncertain Significance.